The following is an entry in ClinVar:

NM_001605.3(AARS1):c.1672-205G>C

Gene: AARS1 (alanyl-tRNA synthetase 1; minus strand). Cytogenetic location: 16q22.1.
Variant type: single nucleotide variant.
Coding change: c.1672-205G>C on transcript NM_001605.3 (MANE Select); 205 bases into the intron before coding-DNA position 1672, G replaced by C.
Molecular consequence: intron variant.
Genome position (GRCh38, 1-based): chr16:70,261,362, C>G on the plus strand (G>C on the coding strand, the complement: AARS1 is on the minus strand). VCF-style: chr16-70261362-C-G. GRCh37 (hg19) VCF-style: chr16-70295265-C-G.
Identifiers: ClinVar variation 677700 (VCV000677700.2), dbSNP rs58467558, ClinGen allele CA14316546.

ClinVar aggregate classification (germline): Benign. Review status: criteria provided, multiple submitters, no conflicts (2 of 4 stars). 2 submissions from 2 submitters: Benign (2). Last evaluated 2018-06-16.

Allele frequency attached by ClinVar (database versions not stated): gnomAD 0.09335 and 0.09993; TOPMed 0.10370; 1000 Genomes Project 0.10883; 1000 Genomes Project 30x 0.11524.
gnomAD v4.1: 17,355 of 428,272 alleles (4.1%); highest among the groups gnomAD compares: African/African-American, 32%; 2,588 homozygotes.

Submissions (2):

GeneDx
Classification: Benign. Last evaluated: 2018-06-16. Review status: criteria provided, single submitter. Criteria: GeneDx Variant Classification (06012015). Collection method: clinical testing. Allele origin: germline. Affected: yes.
Comment: This variant is considered likely benign or benign based on one or more of the following criteria: it is a conservative change, it occurs at a poorly conserved position in the protein, it is predicted to be benign by multiple in silico algorithms, and/or has population frequency not consistent with disease.

Breakthrough Genomics
Classification: Benign. Review status: criteria provided, single submitter. Criteria: ACMG Guidelines, 2015. Collection method: not provided. Allele origin: germline. Inheritance: Autosomal recessive inheritance. Affected: yes.